The following is an entry in ClinVar:

ClinVar aggregate classification (germline): Uncertain significance (1 of 4 stars; one submission).

Conditions:
Autosomal recessive limb-girdle muscular dystrophy type 2J (LGMDR10). Also called: Limb-girdle muscular dystrophy, type 2J; MUSCULAR DYSTROPHY, LIMB-GIRDLE, AUTOSOMAL RECESSIVE 10. Identifiers: Orphanet 140922, MedGen C1837342, MONDO:0012127, OMIM 608807.
Dilated cardiomyopathy 1G (CMD1G). Identifiers: Orphanet 154, MedGen C1858763, MONDO:0011400, OMIM 604145.

Allele frequency attached by ClinVar (database versions not stated): gnomAD 0.00001.
gnomAD v4.1: 5 of 1,612,644 alleles (0.00031%); highest among the groups gnomAD compares: Admixed American, 0.0083%; no homozygotes.

Submission:

Labcorp Genetics (formerly Invitae), Labcorp
Classification: Uncertain significance for Dilated cardiomyopathy 1G; Autosomal recessive limb-girdle muscular dystrophy type 2J. Last evaluated: 2021-09-02. Review status: criteria provided, single submitter. Criteria: Invitae Variant Classification Sherloc (09022015). Collection method: clinical testing. Allele origin: germline.
Comment: This sequence change falls in intron 276 of the TTN gene. It does not directly change the encoded amino acid sequence of the TTN protein. It affects a nucleotide within the consensus splice site of the intron. This variant is not present in population databases (ExAC no frequency). This variant has not been reported in the literature in individuals affected with TTN-related conditions. Variants that disrupt the consensus splice site are a relatively common cause of aberrant splicing (PMID: 17576681, 9536098). Algorithms developed to predict the effect of sequence changes on RNA splicing suggest that this variant may disrupt the consensus splice site. In summary, the available evidence is currently insufficient to determine the role of this variant in disease. Therefore, it has been classified as a Variant of Uncertain Significance.

Literature cited by the submitters: PubMed 17576681; PubMed 9536098.

NM_001267550.2(TTN):c.53002+4C>G

Genes: TTN (titin; minus strand), TTN-AS1 (TTN antisense RNA 1; plus strand), LOC126806425 (BRD4-independent group 4 enhancer GRCh37_chr2:179471933-179473132; plus strand). Cytogenetic location: 2q31.2.
Variant type: single nucleotide variant.
Coding change: c.53002+4C>G on transcript NM_001267550.2 (MANE Select); 4 bases into the intron after coding-DNA position 53002, C replaced by G.
Molecular consequence: intron variant.
Genome position (GRCh38, 1-based): chr2:178,607,781, G>C on the plus strand (C>G on the coding strand, the complement: TTN is on the minus strand). VCF-style: chr2-178607781-G-C. GRCh37 (hg19) VCF-style: chr2-179472508-G-C.
Other names: c.25807+4C>G (NM_003319.4); c.26383+4C>G (NM_133437.4); c.26182+4C>G (NM_133432.3); c.45298+4C>G (NM_133378.4); c.48079+4C>G (NM_001256850.1).
Identifiers: ClinVar variation 467252 (VCV000467252.6), dbSNP rs947716496, ClinGen allele CA538435731.